The following is an entry in ClinVar:

NM_001018005.2(TPM1):c.631G>C (p.Ala211Pro)

Gene: TPM1 (tropomyosin 1; plus strand). Cytogenetic location: 15q22.2.
Variant type: single nucleotide variant.
Coding change: c.631G>C on transcript NM_001018005.2 (MANE Select); coding-DNA position 631, G replaced by C.
Protein change: p.Ala211Pro; replaces alanine 211 with proline.
Molecular consequence: missense variant. On other transcripts: non-coding transcript variant (16), intron variant (21).
Genome position (GRCh38, 1-based): chr15:63,061,780, G>C. VCF-style: chr15-63061780-G-C. GRCh37 (hg19) VCF-style: chr15-63353979-G-C.
Other names: c.631G>C, p.Ala211Pro (NM_001301244.2, NM_001365776.1, NM_001365777.1 and 7 more transcripts); c.523G>C, p.Ala175Pro (NM_001301289.2, NM_001330346.2, NM_001365780.1 and 3 more transcripts); c.757G>C, p.Ala253Pro (NM_001365778.1, NM_001407324.1); c.640-435G>C (NM_001407336.1, NM_001018020.2, NM_001407326.1 and 10 more transcripts); c.766-435G>C (NM_001407323.1, NM_001407322.1); c.532-435G>C (NM_001330351.2, NM_001330344.2, NM_001365781.2 and 3 more transcripts); short protein forms A175P, A211P, A253P.
Identifiers: ClinVar variation 3376901 (VCV003376901.1).

ClinVar aggregate classification (germline): Uncertain significance (1 of 4 stars; one submission).

Conditions:
Dilated cardiomyopathy 1Y (CMD1Y). Identifiers: Orphanet 154, Orphanet 54260, MedGen C2678476, MONDO:0012744, OMIM 611878.

Submission:

Victorian Clinical Genetics Services, Murdoch Childrens Research Institute
Classification: Uncertain significance for Dilated cardiomyopathy 1Y. Last evaluated: 2024-10-09. Review status: criteria provided, single submitter. Criteria: ACMG Guidelines, 2015. Collection method: clinical testing. Allele origin: germline. Inheritance: Autosomal dominant inheritance. Affected: yes.
Comment: Based on the classification scheme VCGS_Germline_v1.3.4, this variant is classified as VUS-3A. Following criteria are met: 0105 - The mechanism of disease for this gene is not clearly established, although it has been suggested that HCM is caused by gain of function missense variants, while DCM is caused by loss of function missense variants (PMID: 31270709). (I) 0107 - This gene is associated with autosomal dominant disease. (I) 0112 - The condition associated with this gene has incomplete penetrance (PMIDs: 33642254, 32882290, 32731933). (I) 0200 - Variant is predicted to result in a missense amino acid change from alanine to proline. (I) 0251 - This variant is heterozygous. (I) 0301 - Variant is absent from gnomAD (both v2 and v3). (SP) 0502 - Missense variant with conflicting in silico predictions and very high conservation. (I) 0603 - Missense variant in a region that is highly intolerant to missense variation (high constraint region in DECIPHER). (SP) 0710 - Other missense variants comparable to the one identified in this case have inconclusive previous evidence for pathogenicity. p.(Ala211Gly) has been classified as a VUS for two individuals by a clinical laboratory in ClinVar, one of whom was reported to have DCM. More recent literature, likely describing the same individual with DCM, has classified this variant as likely pathogenic (PMID: 27532257). p.(Ala211Val) was reported as a VUS in an individual with HCM who also had a VUS in the TTN gene (PMID: 28771489). (I) 0807 - This variant has no previous evidence of pathogenicity. (I) 0905 - No published segregation evidence has been identified for this variant. (I) 1007 - No published functional evidence has been identified for this variant. (I) 1208 - Inheritance information for this variant is not currently available in this individual. (I) Legend: (SP) - Supporting pathogenic, (I) - Information, (SB) - Supporting benign

Literature cited by the submitters: PubMed 27532257; PubMed 28771489; PubMed 31270709; PubMed 32731933; PubMed 32882290; PubMed 33642254.